The following is an entry in ClinVar:

NM_001111.5(ADAR):c.1243C>G (p.Pro415Ala)

Gene: ADAR (adenosine deaminase RNA specific; minus strand). Cytogenetic location: 1q21.3.
Variant type: single nucleotide variant.
Coding change: c.1243C>G on transcript NM_001111.5 (MANE Select); coding-DNA position 1243, C replaced by G.
Protein change: p.Pro415Ala; replaces proline 415 with alanine.
Molecular consequence: missense variant.
Genome position (GRCh38, 1-based): chr1:154,601,399, G>C on the plus strand (C>G on the coding strand, the complement: ADAR is on the minus strand). VCF-style: chr1-154601399-G-C. GRCh37 (hg19) VCF-style: chr1-154573875-G-C.
Other names: c.358C>G, p.Pro120Ala (NM_001365049.1, NM_001025107.3, NM_001193495.2 and 3 more transcripts); c.1243C>G, p.Pro415Ala (NM_015840.4, NM_015841.4); c.1270C>G, p.Pro424Ala (NM_001365045.1); short protein forms P120A, P415A, P424A.
Identifiers: ClinVar variation 3758954 (VCV003758954.2).

ClinVar aggregate classification (germline): Uncertain significance (1 of 4 stars; one submission).

Conditions:
Symmetrical dyschromatosis of extremities (DSH). Also called: DYSCHROMATOSIS SYMMETRICA HEREDITARIA 1; RETICULATE ACROPIGMENTATION OF DOHI; SYMMETRIC DYSCHROMATOSIS OF THE EXTREMITIES; Dyschromatosis symmetrica hereditaria. Identifiers: Orphanet 41, MedGen C0406775, MONDO:0007483, OMIM 127400.
Aicardi-Goutieres syndrome 6 (AGS6). Identifiers: Orphanet 51, MedGen C3539013, MONDO:0014007, OMIM 615010.

Submission:

Labcorp Genetics (formerly Invitae), Labcorp
Classification: Uncertain significance for Aicardi-Goutieres syndrome 6; Symmetrical dyschromatosis of extremities. Last evaluated: 2024-10-20. Review status: criteria provided, single submitter. Criteria: Invitae Variant Classification Sherloc (09022015). Collection method: clinical testing. Allele origin: germline.
Comment: This sequence change replaces proline, which is neutral and non-polar, with alanine, which is neutral and non-polar, at codon 415 of the ADAR protein (p.Pro415Ala). This variant is present in population databases (rs760698577, gnomAD 0.0009%). This variant has not been reported in the literature in individuals affected with ADAR-related conditions. Invitae Evidence Modeling of protein sequence and biophysical properties (such as structural, functional, and spatial information, amino acid conservation, physicochemical variation, residue mobility, and thermodynamic stability) indicates that this missense variant is not expected to disrupt ADAR protein function with a negative predictive value of 80%. In summary, the available evidence is currently insufficient to determine the role of this variant in disease. Therefore, it has been classified as a Variant of Uncertain Significance.